The following is an entry in ClinVar:

NM_025179.4(PLXNA2):c.2203C>T (p.Arg735Ter)

Gene: PLXNA2 (plexin A2; minus strand). Cytogenetic location: 1q32.2.
Variant type: single nucleotide variant.
Coding change: c.2203C>T on transcript NM_025179.4 (MANE Select); coding-DNA position 2203, C replaced by T.
Protein change: p.Arg735Ter; replaces arginine 735 with a stop codon.
Molecular consequence: nonsense.
Genome position (GRCh38, 1-based): chr1:208,084,475, G>A on the plus strand (C>T on the coding strand, the complement: PLXNA2 is on the minus strand). VCF-style: chr1-208084475-G-A. GRCh37 (hg19) VCF-style: chr1-208257820-G-A.
Other names: short protein forms R735*.
Identifiers: ClinVar variation 1944070 (VCV001944070.5), dbSNP rs150244971, ClinGen allele CA36700601.

ClinVar aggregate classification (germline): Uncertain significance (1 of 4 stars; one submission).

Allele frequency attached by ClinVar (database versions not stated): gnomAD 0.00001; gnomAD exomes 0.00001; TOPMed 0.00001; ESP Exome Variant Server 0.00008.

Submission:

Labcorp Genetics (formerly Invitae), Labcorp
Classification: Uncertain significance. Last evaluated: 2023-12-11. Review status: criteria provided, single submitter. Criteria: Invitae Variant Classification Sherloc (09022015). Collection method: clinical testing. Allele origin: germline.
Comment: This sequence change creates a premature translational stop signal (p.Arg735*) in the PLXNA2 gene. It is expected to result in an absent or disrupted protein product. However, the current clinical and genetic evidence is not sufficient to establish whether loss-of-function variants in PLXNA2 cause disease. The frequency data for this variant in the population databases is considered unreliable, as metrics indicate poor data quality at this position in the gnomAD database. This variant has not been reported in the literature in individuals affected with PLXNA2-related conditions. ClinVar contains an entry for this variant (Variation ID: 1944070). In summary, the available evidence is currently insufficient to determine the role of this variant in disease. Therefore, it has been classified as a Variant of Uncertain Significance.